The following is an entry in ClinVar:

ClinVar aggregate classification (germline): Uncertain significance (1 of 4 stars; one submission).

Submission:

Labcorp Genetics (formerly Invitae), Labcorp
Classification: Uncertain significance. Last evaluated: 2025-08-04. Review status: criteria provided, single submitter. Criteria: Invitae Variant Classification Sherloc (09022015). Collection method: clinical testing. Allele origin: germline.
Comment: This sequence change replaces serine, which is neutral and polar, with asparagine, which is neutral and polar, at codon 916 of the KAT6A protein (p.Ser916Asn). This variant is not present in population databases (gnomAD no frequency). This variant has not been reported in the literature in individuals affected with KAT6A-related conditions. ClinVar contains an entry for this variant (Variation ID: 2002231). Invitae Evidence Modeling of protein sequence and biophysical properties (such as structural, functional, and spatial information, amino acid conservation, physicochemical variation, residue mobility, and thermodynamic stability) indicates that this missense variant is not expected to disrupt KAT6A protein function with a negative predictive value of 95%. In summary, the available evidence is currently insufficient to determine the role of this variant in disease. Therefore, it has been classified as a Variant of Uncertain Significance.

NM_006766.5(KAT6A):c.2747G>A (p.Ser916Asn)

Gene: KAT6A (lysine acetyltransferase 6A; minus strand). Cytogenetic location: 8p11.21.
Variant type: single nucleotide variant.
Coding change: c.2747G>A on transcript NM_006766.5 (MANE Select); coding-DNA position 2747, G replaced by A.
Protein change: p.Ser916Asn; replaces serine 916 with asparagine.
Molecular consequence: missense variant.
Genome position (GRCh38, 1-based): chr8:41,941,134, C>T on the plus strand (G>A on the coding strand, the complement: KAT6A is on the minus strand). VCF-style: chr8-41941134-C-T. GRCh37 (hg19) VCF-style: chr8-41798652-C-T.
Other names: short protein forms S916N.
Identifiers: ClinVar variation 2002231 (VCV002002231.4), dbSNP rs2486771335, ClinGen allele CA371071748.